The following is an entry in ClinVar:

NM_001130987.2(DYSF):c.5628C>A (p.Asp1876Glu)

Gene: DYSF (dysferlin; plus strand). Cytogenetic location: 2p13.2.
Variant type: single nucleotide variant.
Coding change: c.5628C>A on transcript NM_001130987.2 (MANE Select); coding-DNA position 5628, C replaced by A.
Protein change: p.Asp1876Glu; replaces aspartic acid 1876 with glutamic acid.
Molecular consequence: missense variant.
Genome position (GRCh38, 1-based): chr2:71,669,193, C>A. VCF-style: chr2-71669193-C-A. GRCh37 (hg19) VCF-style: chr2-71896323-C-A.
Other names: c.5514C>A, p.Asp1838Glu (NM_001130455.2); c.5469C>A, p.Asp1823Glu (NM_001130976.2); c.5532C>A, p.Asp1844Glu (NM_001130977.2); c.5574C>A, p.Asp1858Glu (NM_001130978.2); c.5604C>A, p.Asp1868Glu (NM_001130979.2); c.5562C>A, p.Asp1854Glu (NM_001130980.2); c.5625C>A, p.Asp1875Glu (NM_001130981.2); c.5607C>A, p.Asp1869Glu (NM_001130982.2); and 6 more; short protein forms D1845E, D1869E, D1859E, D1868E, D1837E, D1854E, D1876E, D1823E.
Identifiers: ClinVar variation 4746987 (VCV004746987.2).

ClinVar aggregate classification (germline): Likely pathogenic. Review status: criteria provided, multiple submitters, no conflicts (2 of 4 stars). 2 submissions from 2 submitters: Likely pathogenic (2). Last evaluated 2025-10-14.

Conditions:
Autosomal recessive limb-girdle muscular dystrophy type 2B (LGMDR2). Also called: MUSCULAR DYSTROPHY, LIMB-GIRDLE, TYPE 3; Limb-girdle muscular dystrophy, type 2B; MUSCULAR DYSTROPHY, LIMB-GIRDLE, AUTOSOMAL RECESSIVE 2; Limb-Girdle Muscular Dystrophy Type 2B (LGMD2B). Identifiers: Orphanet 268, MedGen C1850889, MONDO:0009676, OMIM 253601.
Neuromuscular disease caused by qualitative or quantitative defects of dysferlin. Also called: Dysferlinopathy; Qualitative or quantitative defects of dysferlin. Identifiers: Orphanet 207073, MedGen C2931687, MONDO:0016145.

Submissions (2):

Labcorp Genetics (formerly Invitae), Labcorp
Classification: Likely pathogenic for Neuromuscular disease caused by qualitative or quantitative defects of dysferlin. Last evaluated: 2025-10-14. Review status: criteria provided, single submitter. Criteria: Invitae Variant Classification Sherloc (09022015). Collection method: clinical testing. Allele origin: germline.
Comment: This sequence change replaces aspartic acid, which is acidic and polar, with glutamic acid, which is acidic and polar, at codon 1837 of the DYSF protein (p.Asp1837Glu). This variant is not present in population databases (gnomAD no frequency). This missense change has been observed in individual(s) with clinical features of DYSF-related conditions (PMID: 27647186, 28403181, 38903757). This variant is also known as c.5628C>A (p.D1876E). Invitae Evidence Modeling of protein sequence and biophysical properties (such as structural, functional, and spatial information, amino acid conservation, physicochemical variation, residue mobility, and thermodynamic stability) indicates that this missense variant is expected to disrupt DYSF protein function with a positive predictive value of 95%. This variant disrupts the p.Asp1837 amino acid residue in DYSF. Other variant(s) that disrupt this residue have been determined to be pathogenic (PMID: 11257469, 22194990). This suggests that this residue is clinically significant, and that variants that disrupt this residue are likely to be disease-causing. In summary, the currently available evidence indicates that the variant is pathogenic, but additional data are needed to prove that conclusively. Therefore, this variant has been classified as Likely Pathogenic.

Clinical Genetics Service, Universitary Hospital 12 de Octubre
Classification: Likely pathogenic for Autosomal recessive limb-girdle muscular dystrophy type 2B. Review status: criteria provided, single submitter. Criteria: ACMG Guidelines, 2015. Collection method: clinical testing. Allele origin: germline. Affected: yes.

Literature cited by the submitters: PubMed 27647186 (cited by Labcorp Genetics (formerly Invitae), Labcorp); PubMed 28403181 (cited by Labcorp Genetics (formerly Invitae), Labcorp); PubMed 38903757 (cited by Labcorp Genetics (formerly Invitae), Labcorp); PubMed 11257469 (cited by Labcorp Genetics (formerly Invitae), Labcorp); PubMed 22194990 (cited by Labcorp Genetics (formerly Invitae), Labcorp).